The following is an entry in ClinVar:

ClinVar aggregate classification (germline): Benign/Likely benign. Review status: criteria provided, multiple submitters, no conflicts (2 of 4 stars). 9 submissions from 9 submitters: Benign (4); Likely benign (4). 1 of the submissions does not count toward it. Last evaluated 2026-01-26.

Conditions:
Hermansky-Pudlak syndrome 2 (HPS2). Also called: Platelet defects and oculocutaneous albinism. Identifiers: Orphanet 183678, Orphanet 79430, MedGen C1842362, MONDO:0011997, OMIM 608233.
AP3B1-related disorder. Also called: AP3B1-related condition.
Autoinflammatory syndrome. Identifiers: Orphanet 93665, MedGen C3890737, MONDO:0019751.

Allele frequency attached by ClinVar (database versions not stated): gnomAD exomes 0.00051 and 0.00137; ExAC 0.00155; 1000 Genomes Project 0.00459; gnomAD 0.00471 and 0.00508; 1000 Genomes Project 30x 0.00484; ESP Exome Variant Server 0.00531; TOPMed 0.00531.
gnomAD v4.1: 1,481 of 1,613,454 alleles (0.092%); highest among the groups gnomAD compares: African/African-American, 1.6%; 12 homozygotes.

Submissions (9):

Labcorp Genetics (formerly Invitae), Labcorp
Classification: Benign for Hermansky-Pudlak syndrome 2. Last evaluated: 2026-01-26. Review status: criteria provided, single submitter. Criteria: Invitae Variant Classification Sherloc (09022015). Collection method: clinical testing. Allele origin: germline.

Mayo Clinic Laboratories, Mayo Clinic
Classification: Benign. Last evaluated: 2025-09-30. Review status: criteria provided, single submitter. Criteria: ACMG Guidelines, 2015. Collection method: clinical testing. Allele origin: germline. Observed: 10 variant alleles.
Comment: BS1, BS2, BP4

Blueprint Genetics
Classification: Likely benign. Last evaluated: 2024-10-24. Review status: criteria provided, single submitter. Criteria: ACMG Guidelines, 2015. Collection method: clinical testing. Allele origin: germline.

Genome Diagnostics Laboratory, The Hospital for Sick Children
Classification: Likely benign for Autoinflammatory syndrome. Last evaluated: 2021-06-22. Review status: criteria provided, single submitter. Criteria: ACMG Guidelines, 2015. Collection method: clinical testing. Allele origin: germline. Affected: yes.

Illumina Laboratory Services, Illumina
Classification: Benign for Hermansky-Pudlak syndrome 2. Last evaluated: 2018-01-13. Review status: criteria provided, single submitter. Criteria: ICSL Variant Classification Criteria 13 December 2019. Collection method: clinical testing. Allele origin: germline.
Comment: This variant was observed in the ICSL laboratory as part of a predisposition screen in an ostensibly healthy population. It had not been previously curated by ICSL or reported in the Human Gene Mutation Database (HGMD: prior to June 1st, 2018), and was therefore a candidate for classification through an automated scoring system. Utilizing variant allele frequency, disease prevalence and penetrance estimates, and inheritance mode, an automated score was calculated to assess if this variant is too frequent to cause the disease. Based on the score and internal cut-off values, a variant classified as benign is not then subjected to further curation. The score for this variant resulted in a classification of benign for this disease.

Genetic Services Laboratory, University of Chicago
Classification: Likely benign. Last evaluated: 2017-03-27. Review status: criteria provided, single submitter. Criteria: ACMG Guidelines, 2015. Collection method: clinical testing. Allele origin: germline. Affected: no.

Laboratory for Molecular Medicine, Mass General Brigham Personalized Medicine
Classification: Benign. Last evaluated: 2013-02-21. Review status: criteria provided, single submitter. Criteria: LMM Criteria. Collection method: clinical testing. Allele origin: germline. Observed: 1 variant allele.
Comment: Thr862Ile in exon 23 of AP3B1: This variant is not expected to have clinical sig nificance because it has been identified in 1.6% (69/4406) of African American c hromosomes from a broad population by the NHLBI Exome Sequencing Project (dbSNP rs146624866).

Breakthrough Genomics
Classification: Likely benign. Review status: criteria provided, single submitter. Criteria: ACMG Guidelines, 2015. Collection method: not provided. Allele origin: germline. Inheritance: Autosomal recessive inheritance. Affected: yes.

PreventionGenetics, part of Exact Sciences
Classification: Benign for AP3B1-related condition. Last evaluated: 2019-03-01. Review status: no assertion criteria provided. Collection method: clinical testing. Allele origin: germline. Not counted in ClinVar's aggregate classification.
Comment: This variant is classified as benign based on ACMG/AMP sequence variant interpretation guidelines (Richards et al. 2015 PMID: 25741868, with internal and published modifications).

NM_003664.5(AP3B1):c.2585C>T (p.Thr862Ile)

Gene: AP3B1 (adaptor related protein complex 3 subunit beta 1; minus strand). Cytogenetic location: 5q14.1.
Variant type: single nucleotide variant.
Coding change: c.2585C>T on transcript NM_003664.5 (MANE Select); coding-DNA position 2585, C replaced by T.
Protein change: p.Thr862Ile; replaces threonine 862 with isoleucine.
Molecular consequence: missense variant.
Genome position (GRCh38, 1-based): chr5:78,039,267, G>A on the plus strand (C>T on the coding strand, the complement: AP3B1 is on the minus strand). VCF-style: chr5-78039267-G-A. GRCh37 (hg19) VCF-style: chr5-77335091-G-A.
Other names: c.2438C>T, p.Thr813Ile (NM_001271769.2); short protein forms T862I, T813I.
Identifiers: ClinVar variation 434220 (VCV000434220.31), dbSNP rs146624866, ClinGen allele CA3316713.
Genomic context (GRCh38, chr5:78,039,267, plus strand): 5'-AGTCCTTTTCCACTCATTCGATGAAGCAGCACGTGAGTTTTCGTTGGTACAAATGCAGGA[G>A]TACTGACCTATTACACACGGCAAAAAGAAAAAAAGATGAGTTAGTGAATATAATTATTCT-3'
Protein context (NP_003655.3, residues 852-872): STSSSVISVS[Thr862Ile]PAFVPTKTHV